The following is an entry in ClinVar:

ClinVar aggregate classification (germline): Uncertain significance. Review status: criteria provided, multiple submitters, no conflicts (2 of 4 stars). 3 submissions from 3 submitters: Uncertain significance (3). Last evaluated 2024-09-06.

Conditions:
Neuronal ceroid lipofuscinosis 11. Also called: GRN-Related Neuronal Ceroid-Lipofuscinosis. Identifiers: Orphanet 314629, Orphanet 79262, MedGen C3539123, MONDO:0013866, OMIM 614706.
GRN-related frontotemporal lobar degeneration with Tdp43 inclusions (FTD2). Also called: FRONTOTEMPORAL LOBAR DEGENERATION WITH UBIQUITIN-POSITIVE INCLUSIONS; FTLD-TDP, GRN-RELATED; GRN Frontotemporal Dementia; FRONTOTEMPORAL DEMENTIA WITH TDP43 INCLUSIONS, GRN-RELATED; DEMENTIA, HEREDITARY DYSPHASIC DISINHIBITION. Identifiers: Orphanet 100070, Orphanet 282, MedGen C1843792, MONDO:0011842, OMIM 607485. Disease mechanism: loss of function.

Allele frequency attached by ClinVar (database versions not stated): ExAC 0.00001; gnomAD 0.00001; gnomAD exomes 0.00001 and 0.00003.
gnomAD v4.1: 44 of 1,613,364 alleles (0.0027%); highest among the groups gnomAD compares: Non-Finnish European, 0.0035%; no homozygotes.

Submissions (3):

Labcorp Genetics (formerly Invitae), Labcorp
Classification: Uncertain significance for Neuronal ceroid lipofuscinosis 11; GRN-related frontotemporal lobar degeneration with Tdp43 inclusions. Last evaluated: 2024-09-06. Review status: criteria provided, single submitter. Criteria: Invitae Variant Classification Sherloc (09022015). Collection method: clinical testing. Allele origin: germline.
Comment: This sequence change replaces proline, which is neutral and non-polar, with leucine, which is neutral and non-polar, at codon 451 of the GRN protein (p.Pro451Leu). This variant is present in population databases (rs752428000, gnomAD 0.007%). This missense change has been observed in individuals with clinical features of autosomal dominant GRN-related conditions (PMID: 18565828, 30279455, 34305575; internal data). ClinVar contains an entry for this variant (Variation ID: 449453). Invitae Evidence Modeling of protein sequence and biophysical properties (such as structural, functional, and spatial information, amino acid conservation, physicochemical variation, residue mobility, and thermodynamic stability) indicates that this missense variant is expected to disrupt GRN protein function with a positive predictive value of 80%. In summary, the available evidence is currently insufficient to determine the role of this variant in disease. Therefore, it has been classified as a Variant of Uncertain Significance.

Fulgent Genetics
Classification: Uncertain significance for GRN-related frontotemporal lobar degeneration with Tdp43 inclusions; Neuronal ceroid lipofuscinosis 11. Last evaluated: 2021-08-06. Review status: criteria provided, single submitter. Criteria: ACMG Guidelines, 2015. Collection method: clinical testing. Allele origin: unknown.

GeneDx
Classification: Uncertain significance. Last evaluated: 2017-07-07. Review status: criteria provided, single submitter. Criteria: GeneDx Variant Classification (06012015). Collection method: clinical testing. Allele origin: germline. Affected: yes.
Comment: The P451L variant in the GRN gene, also known as PGRN, has been reported previously in the heterozygous state in individuals with Alzheimer's disease (Brouwers et al., 2008; Sleegers et al., 2009). The P451L variant is not observed at a significant frequency in large population cohorts (Lek et al., 2016; 1000 Genomes Consortium et al., 2015; Exome Variant Server). The P451L variant is a semi-conservative amino acid substitution, which may impact secondary protein structure as these residues differ in some properties. This substitution occurs at a position that is conserved in mammals. In silico analysis predicts this variant is probably damaging to the protein structure/function. We interpret P451L as a variant of uncertain significance.

Literature cited by the submitters: PubMed 18565828 (cited by Labcorp Genetics (formerly Invitae), Labcorp); PubMed 30279455 (cited by Labcorp Genetics (formerly Invitae), Labcorp); PubMed 34305575 (cited by Labcorp Genetics (formerly Invitae), Labcorp).

NM_002087.4(GRN):c.1352C>T (p.Pro451Leu)

Gene: GRN (granulin precursor; plus strand). Cytogenetic location: 17q21.31.
Variant type: single nucleotide variant.
Coding change: c.1352C>T on transcript NM_002087.4 (MANE Select); coding-DNA position 1352, C replaced by T.
Protein change: p.Pro451Leu; replaces proline 451 with leucine.
Molecular consequence: missense variant.
Genome position (GRCh38, 1-based): chr17:44,352,187, C>T. VCF-style: chr17-44352187-C-T. GRCh37 (hg19) VCF-style: chr17-42429555-C-T.
Other names: short protein forms P451L.
Identifiers: ClinVar variation 449453 (VCV000449453.6), dbSNP rs752428000, ClinGen allele CA8602177.
Genomic context (GRCh38, chr17:44,352,187, plus strand): 5'-CCCGCCGGGCTTCCTTATCCCACCCCAGAGACATCGGCTGTGACCAGCACACCAGCTGCC[C>T]GGTGGGGCAGACCTGCTGCCCGAGCCTGGGTGGGAGCTGGGCCTGCTGCCAGTTGCCCCA-3'
Protein context (NP_002078.1, residues 441-461): DIGCDQHTSC[Pro451Leu]VGQTCCPSLG